The following is an entry in ClinVar:

ClinVar aggregate classification (germline): Conflicting classifications of pathogenicity. Review status: criteria provided, conflicting classifications (1 of 4 stars). 3 submissions from 3 submitters: Uncertain significance (2); Likely benign (1). Last evaluated 2025-04-14.

Conditions:
Hereditary cancer-predisposing syndrome. Also called: Neoplastic Syndromes, Hereditary; Tumor predisposition; Hereditary Cancer Syndrome; Hereditary neoplastic syndrome. Identifiers: Orphanet 140162, MedGen C0027672, MeSH D009386, MONDO:0015356.
Familial cancer of breast. Also called: BREAST CANCER, FAMILIAL; hereditary breast carcinoma; Hereditary breast cancer. Identifiers: Orphanet 227535, MedGen C0346153, MONDO:0016419, OMIM 114480. Disease mechanism: loss of function.

gnomAD v4.1: 3 of 1,613,996 alleles (0.00019%); highest among the groups gnomAD compares: Middle Eastern, 0.017%; no homozygotes.

Submissions (3):

GeneDx
Classification: Uncertain significance. Last evaluated: 2025-04-14. Review status: criteria provided, single submitter. Criteria: GeneDx Variant Classification Process June 2021. Collection method: clinical testing. Allele origin: germline. Affected: yes.
Comment: Not observed at significant frequency in large population cohorts (gnomAD); In silico analysis indicates that this missense variant does not alter protein structure/function; Has not been previously published as pathogenic or benign to our knowledge; This variant is associated with the following publications: (PMID: 22941656)

Labcorp Genetics (formerly Invitae), Labcorp
Classification: Uncertain significance for Familial cancer of breast. Last evaluated: 2024-01-09. Review status: criteria provided, single submitter. Criteria: Invitae Variant Classification Sherloc (09022015). Collection method: clinical testing. Allele origin: germline.
Comment: This sequence change replaces methionine, which is neutral and non-polar, with valine, which is neutral and non-polar, at codon 723 of the PALB2 protein (p.Met723Val). This variant is not present in population databases (gnomAD no frequency). This variant has not been reported in the literature in individuals affected with PALB2-related conditions. ClinVar contains an entry for this variant (Variation ID: 233695). Advanced modeling of protein sequence and biophysical properties (such as structural, functional, and spatial information, amino acid conservation, physicochemical variation, residue mobility, and thermodynamic stability) performed at Invitae indicates that this missense variant is not expected to disrupt PALB2 protein function with a negative predictive value of 80%. RNA analysis performed to evaluate the impact of this missense change on mRNA splicing indicates it does not significantly alter splicing (Invitae). In summary, the available evidence is currently insufficient to determine the role of this variant in disease. Therefore, it has been classified as a Variant of Uncertain Significance.

Ambry Genetics
Classification: Likely benign for Hereditary cancer-predisposing syndrome. Last evaluated: 2019-01-29. Review status: criteria provided, single submitter. Criteria: Ambry Variant Classification Scheme 2023. Collection method: clinical testing. Allele origin: germline.

NM_024675.4(PALB2):c.2167A>G (p.Met723Val)

Gene: PALB2 (partner and localizer of BRCA2; minus strand). Cytogenetic location: 16p12.2.
Variant type: single nucleotide variant.
Coding change: c.2167A>G on transcript NM_024675.4 (MANE Select); coding-DNA position 2167, A replaced by G.
Protein change: p.Met723Val; replaces methionine 723 with valine.
Molecular consequence: missense variant.
Genome position (GRCh38, 1-based): chr16:23,629,987, T>C on the plus strand (A>G on the coding strand, the complement: PALB2 is on the minus strand). VCF-style: chr16-23629987-T-C. GRCh37 (hg19) VCF-style: chr16-23641308-T-C.
Other names: short protein forms M723V.
Identifiers: ClinVar variation 233695 (VCV000233695.16), dbSNP rs876660336, ClinGen allele CA10579982.